The following is an entry in ClinVar:

ClinVar aggregate classification (germline): Uncertain significance (1 of 4 stars; one submission).

Allele frequency attached by ClinVar (database versions not stated): gnomAD exomes below 0.00001; ExAC 0.00003.
gnomAD v4.1: 2 of 1,194,197 alleles (0.00017%); highest among the groups gnomAD compares: Non-Finnish European, 0.00023%; no homozygotes.

Submission:

CeGaT Center for Human Genetics Tuebingen
Classification: Uncertain significance. Last evaluated: 2024-03-01. Review status: criteria provided, single submitter. Criteria: CeGaT Center For Human Genetics Tuebingen Variant Classification Criteria Version 2. Collection method: clinical testing. Allele origin: germline. Affected: yes. Observed: 1 variant allele.
Comment: PHF8: PM2

NM_015107.3(PHF8):c.1901T>G (p.Ile634Arg)

Gene: PHF8 (PHD finger protein 8; minus strand). Cytogenetic location: Xp11.22.
Variant type: single nucleotide variant.
Coding change: c.1901T>G on transcript NM_015107.3 (MANE Select); coding-DNA position 1901, T replaced by G.
Protein change: p.Ile634Arg; replaces isoleucine 634 with arginine.
Molecular consequence: missense variant.
Genome position (GRCh38, 1-based): chrX:53,987,774, A>C on the plus strand (T>G on the coding strand, the complement: PHF8 is on the minus strand). VCF-style: chrX-53987774-A-C. GRCh37 (hg19) VCF-style: chrX-54014207-A-C.
Other names: c.2009T>G, p.Ile670Arg (NM_001184896.1); c.1598T>G, p.Ile533Arg (NM_001184897.2); c.1901T>G, p.Ile634Arg (NM_001184898.2); short protein forms I533R, I634R, I670R.
Identifiers: ClinVar variation 3067536 (VCV003067536.21), dbSNP rs782620271, ClinGen allele CA10423397.